The following is an entry in ClinVar:

ClinVar aggregate classification (germline): Uncertain significance (1 of 4 stars; one submission).

Conditions:
Hereditary cancer-predisposing syndrome. Also called: Neoplastic Syndromes, Hereditary; Tumor predisposition; Hereditary Cancer Syndrome; Hereditary neoplastic syndrome. Identifiers: Orphanet 140162, MedGen C0027672, MeSH D009386, MONDO:0015356.

Submission:

Ambry Genetics
Classification: Uncertain significance for Hereditary cancer-predisposing syndrome. Last evaluated: 2024-06-30. Review status: criteria provided, single submitter. Criteria: Ambry Variant Classification Scheme 2023. Collection method: clinical testing. Allele origin: germline.
Comment: The p.I877M variant (also known as c.2631A>G), located in coding exon 16 of the RAD50 gene, results from an A to G substitution at nucleotide position 2631. The isoleucine at codon 877 is replaced by methionine, an amino acid with highly similar properties. This amino acid position is conserved. In addition, this alteration is predicted to be tolerated by in silico analysis. Based on the available evidence, the clinical significance of this variant remains unclear.

NM_005732.4(RAD50):c.2631A>G (p.Ile877Met)

Gene: RAD50 (RAD50 double strand break repair protein; plus strand). Cytogenetic location: 5q31.1.
Variant type: single nucleotide variant.
Coding change: c.2631A>G on transcript NM_005732.4 (MANE Select); coding-DNA position 2631, A replaced by G.
Protein change: p.Ile877Met; replaces isoleucine 877 with methionine.
Molecular consequence: missense variant.
Genome position (GRCh38, 1-based): chr5:132,604,912, A>G. VCF-style: chr5-132604912-A-G. GRCh37 (hg19) VCF-style: chr5-131940604-A-G.
Other names: short protein forms I877M.
Identifiers: ClinVar variation 3429476 (VCV003429476.1).